The following is an entry in ClinVar:

ClinVar aggregate classification (germline): Benign (1 of 4 stars; one submission).

Allele frequency attached by ClinVar (database versions not stated): 1000 Genomes Project 0.13578; 1000 Genomes Project 30x 0.13710; TOPMed 0.20190; gnomAD 0.20844 and 0.21311.
gnomAD v4.1: 31,817 of 152,080 alleles (21%); highest among the groups gnomAD compares: Admixed American, 28%; 3,959 homozygotes.

Submission:

GeneDx
Classification: Benign. Last evaluated: 2018-06-14. Review status: criteria provided, single submitter. Criteria: GeneDx Variant Classification (06012015). Collection method: clinical testing. Allele origin: germline. Affected: yes.
Comment: This variant is considered likely benign or benign based on one or more of the following criteria: it is a conservative change, it occurs at a poorly conserved position in the protein, it is predicted to be benign by multiple in silico algorithms, and/or has population frequency not consistent with disease.

NM_144628.4(TBC1D20):c.769-166C>T

Gene: TBC1D20 (TBC1 domain family member 20; minus strand). Cytogenetic location: 20p13.
Variant type: single nucleotide variant.
Coding change: c.769-166C>T on transcript NM_144628.4 (MANE Select); 166 bases into the intron before coding-DNA position 769, C replaced by T.
Molecular consequence: intron variant.
Genome position (GRCh38, 1-based): chr20:439,461, G>A on the plus strand (C>T on the coding strand, the complement: TBC1D20 is on the minus strand). VCF-style: chr20-439461-G-A. GRCh37 (hg19) VCF-style: chr20-420105-G-A.
Identifiers: ClinVar variation 670226 (VCV000670226.1), dbSNP rs73074721, ClinGen allele CA14850462.